The following is an entry in ClinVar:

ClinVar aggregate classification (germline): Uncertain significance (1 of 4 stars; one submission).

Conditions:
Brugada syndrome 5 (BRGDA5). Identifiers: Orphanet 130, Orphanet 871, MedGen C2748541, MONDO:0013015, OMIM 612838.

Allele frequency attached by ClinVar (database versions not stated): gnomAD exomes below 0.00001.

Submission:

Labcorp Genetics (formerly Invitae), Labcorp
Classification: Uncertain significance for Brugada syndrome 5. Last evaluated: 2023-07-19. Review status: criteria provided, single submitter. Criteria: Invitae Variant Classification Sherloc (09022015). Collection method: clinical testing. Allele origin: germline.
Comment: This variant has not been reported in the literature in individuals affected with SCN1B-related conditions. Experimental studies and prediction algorithms are not available or were not evaluated, and the effect of this variant on mRNA splicing is currently unknown. In summary, the available evidence is currently insufficient to determine the role of this variant in disease. Therefore, it has been classified as a Variant of Uncertain Significance. This variant is not present in population databases (gnomAD no frequency). The SCN1B gene has multiple clinically relevant transcripts. This variant occurs in alternate transcript NM_001037.4, and corresponds to NM_199037.3:c.*5134C>T in the primary transcript. This sequence change affects codon 188 of the SCN1B mRNA. It is a 'silent' change, meaning that it does not change the encoded amino acid sequence of the SCN1B protein.

NM_001037.5(SCN1B):c.564C>T (p.Ala188=)

Gene: SCN1B (sodium voltage-gated channel beta subunit 1; plus strand). Cytogenetic location: 19q13.11.
Variant type: single nucleotide variant.
Coding change: c.564C>T on transcript NM_001037.5 (MANE Select); coding-DNA position 564, C replaced by T.
Protein change: p.Ala188=; no amino-acid change (alanine 188 retained).
Molecular consequence: synonymous variant.
Genome position (GRCh38, 1-based): chr19:35,039,232, C>T. VCF-style: chr19-35039232-C-T. GRCh37 (hg19) VCF-style: chr19-35530136-C-T.
Other names: c.465C>T, p.Ala155= (NM_001321605.2).
Identifiers: ClinVar variation 2744883 (VCV002744883.3), dbSNP rs2064268129, ClinGen allele CA2584417144.